The following is an entry in ClinVar:

NM_000273.3(GPR143):c.172G>A (p.Gly58Arg)

Gene: GPR143 (G protein-coupled receptor 143; minus strand). Cytogenetic location: Xp22.2.
Variant type: single nucleotide variant.
Coding change: c.172G>A on transcript NM_000273.3 (MANE Select); coding-DNA position 172, G replaced by A.
Protein change: p.Gly58Arg; replaces glycine 58 with arginine.
Molecular consequence: missense variant.
Genome position (GRCh38, 1-based): chrX:9,765,646, C>T on the plus strand (G>A on the coding strand, the complement: GPR143 is on the minus strand). VCF-style: chrX-9765646-C-T. GRCh37 (hg19) VCF-style: chrX-9733686-C-T.
Other names: short protein forms G58R.
Identifiers: ClinVar variation 1467003 (VCV001467003.8), dbSNP rs2146705844, ClinGen allele CA412000579.

ClinVar aggregate classification (germline): Uncertain significance (1 of 4 stars; one submission).

Allele frequency attached by ClinVar (database versions not stated): gnomAD exomes 0.00001.
gnomAD v4.1: 9 of 981,824 alleles (0.00092%); highest among the groups gnomAD compares: Non-Finnish European, 0.0011%; no homozygotes.

Submission:

Labcorp Genetics (formerly Invitae), Labcorp
Classification: Uncertain significance. Last evaluated: 2025-10-08. Review status: criteria provided, single submitter. Criteria: Invitae Variant Classification Sherloc (09022015). Collection method: clinical testing. Allele origin: germline.
Comment: This sequence change replaces glycine, which is neutral and non-polar, with arginine, which is basic and polar, at codon 58 of the GPR143 protein (p.Gly58Arg). The frequency data for this variant in the population databases is considered unreliable, as metrics indicate insufficient coverage at this position in the gnomAD database. This variant has not been reported in the literature in individuals affected with GPR143-related conditions. ClinVar contains an entry for this variant (Variation ID: 1467003). Invitae Evidence Modeling of protein sequence and biophysical properties (such as structural, functional, and spatial information, amino acid conservation, physicochemical variation, residue mobility, and thermodynamic stability) indicates that this missense variant is not expected to disrupt GPR143 protein function with a negative predictive value of 95%. In summary, the available evidence is currently insufficient to determine the role of this variant in disease. Therefore, it has been classified as a Variant of Uncertain Significance.